The following is an entry in ClinVar:

NM_000135.4(FANCA):c.1433C>G (p.Ser478Ter)

Gene: FANCA (FA complementation group A; minus strand). Cytogenetic location: 16q24.3.
Variant type: single nucleotide variant.
Coding change: c.1433C>G on transcript NM_000135.4 (MANE Select); coding-DNA position 1433, C replaced by G.
Protein change: p.Ser478Ter; replaces serine 478 with a stop codon.
Molecular consequence: nonsense.
Genome position (GRCh38, 1-based): chr16:89,784,891, G>C on the plus strand (C>G on the coding strand, the complement: FANCA is on the minus strand). VCF-style: chr16-89784891-G-C. GRCh37 (hg19) VCF-style: chr16-89851299-G-C.
Other names: c.1433C>G, p.Ser478Ter (NM_001286167.3); short protein forms S478*.
Identifiers: ClinVar variation 864301 (VCV000864301.8), dbSNP rs1432415523, ClinGen allele CA397459793.

ClinVar aggregate classification (germline): Pathogenic/Likely pathogenic. Review status: criteria provided, multiple submitters, no conflicts (2 of 4 stars). 2 submissions from 2 submitters: Pathogenic (1); Likely pathogenic (1). Last evaluated 2025-07-20.

Conditions:
Fanconi anemia (FA). Also called: Fanconi's anemia. Identifiers: Orphanet 84, MedGen C0015625, MeSH D005199, MONDO:0019391.
FANCA-related disorders.

Allele frequency attached by ClinVar (database versions not stated): gnomAD exomes below 0.00001.
gnomAD v4.1: 2 of 1,614,178 alleles (0.00012%); highest among the groups gnomAD compares: Admixed American, 0.0017%; no homozygotes.

Submissions (2):

Labcorp Genetics (formerly Invitae), Labcorp
Classification: Pathogenic for Fanconi anemia. Last evaluated: 2025-07-20. Review status: criteria provided, single submitter. Criteria: Invitae Variant Classification Sherloc (09022015). Collection method: clinical testing. Allele origin: germline.
Comment: This sequence change creates a premature translational stop signal (p.Ser478*) in the FANCA gene. It is expected to result in an absent or disrupted protein product. Loss-of-function variants in FANCA are known to be pathogenic (PMID: 19367192). This variant is present in population databases (no rsID available, gnomAD 0.003%). This variant has not been reported in the literature in individuals affected with FANCA-related conditions. ClinVar contains an entry for this variant (Variation ID: 864301). For these reasons, this variant has been classified as Pathogenic.

Blueprint Genetics
Classification: Likely pathogenic for FANCA-related disorders. Last evaluated: 2021-12-28. Review status: criteria provided, single submitter. Criteria: ACMG Guidelines, 2015. Collection method: clinical testing. Allele origin: germline. Affected: yes. Observed: 1 variant allele.

Literature cited by the submitters: PubMed 19367192 (cited by Labcorp Genetics (formerly Invitae), Labcorp).